The following is an entry in ClinVar:

NM_001367823.1(ARHGEF18):c.3947C>G (p.Ala1316Gly)

Gene: ARHGEF18 (Rho/Rac guanine nucleotide exchange factor 18; plus strand). Cytogenetic location: 19p13.2.
Variant type: single nucleotide variant.
Coding change: c.3947C>G on transcript NM_001367823.1 (MANE Select); coding-DNA position 3947, C replaced by G.
Protein change: p.Ala1316Gly; replaces alanine 1316 with glycine.
Molecular consequence: missense variant.
Genome position (GRCh38, 1-based): chr19:7,470,159, C>G. VCF-style: chr19-7470159-C-G. GRCh37 (hg19) VCF-style: chr19-7535045-C-G.
Other names: c.3221C>G, p.Ala1074Gly (NM_001130955.2); c.2909C>G, p.Ala970Gly (NM_001367824.1, NM_015318.4); short protein forms A1316G, A970G, A1074G.
Identifiers: ClinVar variation 1493501 (VCV001493501.8), dbSNP rs2145924582, ClinGen allele CA403097589.

ClinVar aggregate classification (germline): Uncertain significance (1 of 4 stars; one submission).

Allele frequency attached by ClinVar (database versions not stated): gnomAD exomes below 0.00001.
gnomAD v4.1: 1 of 1,612,182 alleles (0.000062%); highest among the groups gnomAD compares: Non-Finnish European, 0.000085%; no homozygotes.

Submission:

Labcorp Genetics (formerly Invitae), Labcorp
Classification: Uncertain significance. Last evaluated: 2024-01-22. Review status: criteria provided, single submitter. Criteria: Invitae Variant Classification Sherloc (09022015). Collection method: clinical testing. Allele origin: germline.
Comment: This sequence change replaces alanine, which is neutral and non-polar, with glycine, which is neutral and non-polar, at codon 1128 of the ARHGEF18 protein (p.Ala1128Gly). This variant is not present in population databases (gnomAD no frequency). This variant has not been reported in the literature in individuals affected with ARHGEF18-related conditions. ClinVar contains an entry for this variant (Variation ID: 1493501). An algorithm developed to predict the effect of missense changes on protein structure and function (PolyPhen-2) suggests that this variant is likely to be tolerated. In summary, the available evidence is currently insufficient to determine the role of this variant in disease. Therefore, it has been classified as a Variant of Uncertain Significance.